The following is an entry in ClinVar:

NM_001458.5(FLNC):c.181C>T (p.Gln61Ter)

Gene: FLNC (filamin C; plus strand). Cytogenetic location: 7q32.1.
Variant type: single nucleotide variant.
Coding change: c.181C>T on transcript NM_001458.5 (MANE Select); coding-DNA position 181, C replaced by T.
Protein change: p.Gln61Ter; replaces glutamine 61 with a stop codon.
Molecular consequence: nonsense.
Genome position (GRCh38, 1-based): chr7:128,830,818, C>T. VCF-style: chr7-128830818-C-T. GRCh37 (hg19) VCF-style: chr7-128470872-C-T.
Other names: c.181C>T, p.Gln61Ter (NM_001127487.2); short protein forms Q61*.
Identifiers: ClinVar variation 1072629 (VCV001072629.7), dbSNP rs2128932161, ClinGen allele CA369216225.

ClinVar aggregate classification (germline): Pathogenic (1 of 4 stars; one submission).

Conditions:
Myofibrillar myopathy 5. Also called: FILAMINOPATHY, AUTOSOMAL DOMINANT; Filaminopathy (type). Identifiers: Orphanet 171445, MedGen C1836050, MONDO:0012289, OMIM 609524.
Distal myopathy with posterior leg and anterior hand involvement. Also called: WILLIAMS DISTAL MYOPATHY. Identifiers: Orphanet 63273, MedGen C3279722, MONDO:0013550, OMIM 614065.
Hypertrophic cardiomyopathy 26. Also called: Cardiomyopathy, familial hypertrophic, 26. Identifiers: Orphanet 75249, MedGen C4310749, MONDO:0014883, OMIM 617047.

Submission:

Labcorp Genetics (formerly Invitae), Labcorp
Classification: Pathogenic for Distal myopathy with posterior leg and anterior hand involvement; Myofibrillar myopathy 5; Hypertrophic cardiomyopathy 26. Last evaluated: 2024-10-30. Review status: criteria provided, single submitter. Criteria: Invitae Variant Classification Sherloc (09022015). Collection method: clinical testing. Allele origin: germline.
Comment: This sequence change creates a premature translational stop signal (p.Gln61*) in the FLNC gene. It is expected to result in an absent or disrupted protein product. Loss-of-function variants in FLNC are known to be pathogenic (PMID: 27908349). This variant is not present in population databases (gnomAD no frequency). This variant has not been reported in the literature in individuals affected with FLNC-related conditions. ClinVar contains an entry for this variant (Variation ID: 1072629). For these reasons, this variant has been classified as Pathogenic.

Literature cited by the submitters: PubMed 27908349.